The following is an entry in ClinVar:

NM_001080467.3(MYO5B):c.4905del (p.Thr1636fs)

Genes: SNHG22 (small nucleolar RNA host gene 22; plus strand), MYO5B (myosin VB; minus strand). Cytogenetic location: 18q21.1.
Variant type: Deletion.
Coding change: c.4905del on transcript NM_001080467.3 (MANE Select); coding-DNA position 4905, one base deleted (C; older notation c.4905delC).
Protein change: p.Thr1636fs; shifts the reading frame from threonine 1636.
Molecular consequence: frameshift variant.
Genome position (GRCh38, 1-based): chr18:49,837,750, G deleted on the plus strand (C on the coding strand, the reverse complement: MYO5B is on the minus strand); the first of 3 consecutive G bases (chr18:49,837,750-49,837,752); deleting any one gives the same sequence. VCF-style (leftmost placement, unchanged base first): chr18-49837749-TG-T. GRCh37 (hg19) VCF-style: chr18-47364119-TG-T.
Other names: short protein forms T1636fs.
Identifiers: ClinVar variation 488385 (VCV000488385.7), dbSNP rs1555793199, ClinGen allele CA658684183.
Genomic context (GRCh38, chr18:49,837,749, plus strand): 5'-CTTCCAGGCAGTATGAGTTATCCCCATCTGCCATGCTGGAGGAGCGCTTCCGGTAGCCGG[TG>T]GGCTTCACACCAGATAGACCCTGAATGCTCTCATTTTCCAACATGGCAGAAACTGAAATA-3'

ClinVar aggregate classification (germline): Pathogenic. Review status: criteria provided, multiple submitters, no conflicts (2 of 4 stars). 2 submissions from 2 submitters: Pathogenic (2). Last evaluated 2023-04-18.

Conditions:
Congenital microvillous atrophy (DIAR2). Also called: Diarrhea 2 with microvillus atrophy, with or without cholestasis; MICROVILLUS ATROPHY, CONGENITAL; Microvillus inclusion disease; CONGENITAL FAMILIAL PROTRACTED DIARRHEA WITH ENTEROCYTE BRUSH-BORDER ABNORMALITIES; DAVIDSON DISEASE. Identifiers: Orphanet 2290, MedGen C0341306, MONDO:0009635, OMIM 251850.

Submissions (2):

Labcorp Genetics (formerly Invitae), Labcorp
Classification: Pathogenic. Last evaluated: 2023-04-18. Review status: criteria provided, single submitter. Criteria: Invitae Variant Classification Sherloc (09022015). Collection method: clinical testing. Allele origin: germline.
Comment: For these reasons, this variant has been classified as Pathogenic. ClinVar contains an entry for this variant (Variation ID: 488385). This variant has not been reported in the literature in individuals affected with MYO5B-related conditions. This variant is not present in population databases (gnomAD no frequency). This sequence change creates a premature translational stop signal (p.Thr1636Profs*26) in the MYO5B gene. It is expected to result in an absent or disrupted protein product. Loss-of-function variants in MYO5B are known to be pathogenic (PMID: 18724368, 20186687).

Victorian Clinical Genetics Services, Murdoch Childrens Research Institute
Classification: Pathogenic for Congenital microvillous atrophy. Last evaluated: 2022-02-02. Review status: criteria provided, single submitter. Criteria: ACMG Guidelines, 2015. Collection method: clinical testing. Allele origin: germline. Inheritance: Autosomal recessive inheritance.
Comment: Based on the classification scheme VCGS_Germline_v1.3.4, this variant is classified as Pathogenic. Following criteria are met: 0102 - Loss of function is a known mechanism of disease in this gene and is associated with diarrhea 2, with microvillus atrophy (MIM#251850). (I) 0106 - This gene is associated with autosomal recessive disease. (I) 0201 - Variant is predicted to cause nonsense-mediated decay (NMD) and loss of protein (premature termination codon is located at least 54 nucleotides upstream of the final exon-exon junction). (SP) 0251 - This variant is heterozygous. (I) 0301 - Variant is absent from gnomAD (both v2 and v3). (SP) 0701 - Other NMD predicted variants comparable to the one identified in this case have very strong previous evidence for pathogenicity (DECIPHER, PMID:33525641). (SP) 0807 - This variant has no previous evidence of pathogenicity. (I) 0905 - No published segregation evidence has been identified for this variant. (I) 1007 - No published functional evidence has been identified for this variant. (I)

Literature cited by the submitters: PubMed 18724368 (cited by Labcorp Genetics (formerly Invitae), Labcorp); PubMed 20186687 (cited by Labcorp Genetics (formerly Invitae), Labcorp); PubMed 33525641 (cited by Victorian Clinical Genetics Services, Murdoch Childrens Research Institute).